The following is an entry in ClinVar:

ClinVar aggregate classification (germline): Uncertain significance (1 of 4 stars; one submission).

Conditions:
Fanconi anemia (FA). Also called: Fanconi's anemia. Identifiers: Orphanet 84, MedGen C0015625, MeSH D005199, MONDO:0019391.

Submission:

Labcorp Genetics (formerly Invitae), Labcorp
Classification: Uncertain significance for Fanconi anemia. Last evaluated: 2024-10-31. Review status: criteria provided, single submitter. Criteria: Invitae Variant Classification Sherloc (09022015). Collection method: clinical testing. Allele origin: germline.
Comment: This sequence change replaces tryptophan, which is neutral and slightly polar, with leucine, which is neutral and non-polar, at codon 347 of the FANCF protein (p.Trp347Leu). This variant is present in population databases (rs778035919, gnomAD 0.003%). This variant has not been reported in the literature in individuals affected with FANCF-related conditions. Invitae Evidence Modeling of protein sequence and biophysical properties (such as structural, functional, and spatial information, amino acid conservation, physicochemical variation, residue mobility, and thermodynamic stability) indicates that this missense variant is expected to disrupt FANCF protein function with a positive predictive value of 80%. In summary, the available evidence is currently insufficient to determine the role of this variant in disease. Therefore, it has been classified as a Variant of Uncertain Significance.

NM_022725.4(FANCF):c.1040G>T (p.Trp347Leu)

Genes: FANCF (FA complementation group F; minus strand), LOC130005443 (ATAC-STARR-seq lymphoblastoid active region 4533; plus strand). Cytogenetic location: 11p14.3.
Variant type: single nucleotide variant.
Coding change: c.1040G>T on transcript NM_022725.4 (MANE Select); coding-DNA position 1040, G replaced by T.
Protein change: p.Trp347Leu; replaces tryptophan 347 with leucine.
Molecular consequence: missense variant.
Genome position (GRCh38, 1-based): chr11:22,624,771, C>A on the plus strand (G>T on the coding strand, the complement: FANCF is on the minus strand). VCF-style: chr11-22624771-C-A. GRCh37 (hg19) VCF-style: chr11-22646317-C-A.
Other names: short protein forms W347L.
Identifiers: ClinVar variation 3622942 (VCV003622942.2).